The following is an entry in ClinVar:

ClinVar aggregate classification (germline): Likely pathogenic (1 of 4 stars; one submission).

Conditions:
Mucopolysaccharidosis, MPS-I-H/S. Also called: Mucopolysaccharidosis type IH/S. Identifiers: Orphanet 93476, MedGen C0086431, MONDO:0011759, OMIM 607015.

Submission:

Myriad Genetics, Inc.
Classification: Likely pathogenic for Mucopolysaccharidosis, MPS-I-H/S. Last evaluated: 2022-03-30. Review status: criteria provided, single submitter. Criteria: Myriad Women's Health Autosomal Recessive and X-Linked Classification Criteria (2021). Collection method: clinical testing. Allele origin: unknown.
Comment: NM_000203.3(IDUA):c.24delC(A9Rfs*99) is expected to be pathogenic in the context of mucopolysaccharidosis type I. This variant is predicted to lead to an abnormal or absent protein product due to the creation of a premature termination codon in IDUA, a gene where loss-of-function variants are known to be pathogenic. Please note: this variant was assessed in the context of healthy population screening.

NM_000203.5(IDUA):c.24del (p.Ala9fs)

Genes: IDUA (alpha-L-iduronidase; plus strand), SLC26A1 (solute carrier family 26 member 1; minus strand). Cytogenetic location: 4p16.3.
Variant type: Deletion.
Coding change: c.24del on transcript NM_000203.5 (MANE Select); coding-DNA position 24, one base deleted (C; older notation c.24delC).
Protein change: p.Ala9fs; shifts the reading frame from alanine 9.
Molecular consequence: frameshift variant. On other transcripts: non-coding transcript variant (1), intron variant (1).
Genome position (GRCh38, 1-based): chr4:987,108, C deleted; the last of 2 consecutive C bases (chr4:987,107-987,108); deleting either gives the same sequence. VCF-style (leftmost placement, unchanged base first): chr4-987106-GC-G. GRCh37 (hg19) VCF-style: chr4-980894-GC-G.
Other names: c.576+4021del (NM_134425.4); short protein forms A9fs.
Identifiers: ClinVar variation 1725550 (VCV001725550.2), dbSNP rs2534003263, ClinGen allele CA2580071750.
Genomic context (GRCh38, chr4:987,106, plus strand): 5'-TGCAGCCCGAAGCCCCGCAGTCCCCGAGCACGCGTGGCCATGCGTCCCCTGCGCCCCCGC[GC>G]CGCGCTGCTGGCGCTCCTGGCCTCGCTCCTGGCCGCGCCCCCGGTGGCCCCGGCCGAGGC-3'